The following is an entry in ClinVar:

NM_007294.4(BRCA1):c.2074_2075del (p.Arg691_His692insTer)

Gene: BRCA1 (BRCA1 DNA repair associated; minus strand). Cytogenetic location: 17q21.31.
Variant type: Deletion.
Coding change: c.2074_2075del on transcript NM_007294.4 (MANE Select); coding-DNA positions 2074 to 2075, 2 bases deleted (CA; older notation c.2074_2075delCA).
Protein change: p.Arg691_His692insTer.
Molecular consequence: nonsense. On other transcripts: frameshift variant (1), intron variant (137).
Genome position (GRCh38, 1-based): chr17:43,093,456-43,093,457, TG deleted on the plus strand (CA on the coding strand, the reverse complement: BRCA1 is on the minus strand); deleting any 2 consecutive bases within chr17:43,093,456-43,093,458 gives the same sequence; the c. name uses the placement nearest the transcript's 3' end. VCF-style (leftmost placement, unchanged base first): chr17-43093455-ATG-A. GRCh37 (hg19) VCF-style: chr17-41245472-ATG-A.
Other names: c.2074_2075delCA (NM_007294.3); c.1933_1934del, p.Arg644_His645insTer (NM_001407692.1, NM_001407694.1, NM_001407695.1 and 29 more transcripts); c.1930_1931del, p.Arg643_His644insTer (NM_001407740.1, NM_001407741.1, NM_001407742.1 and 20 more transcripts); c.1861_1862del, p.Arg620_His621insTer (NM_001407853.1, NM_001407894.1, NM_001407895.1 and 9 more transcripts); c.2074_2075del, p.Arg691_His692insTer (NM_001407854.1, NM_001407858.1, NM_001407859.1 and 30 more transcripts); c.2071_2072del, p.Arg690_His691insTer (NM_001407860.1, NM_001407861.1, NM_001407587.1 and 22 more transcripts); c.1873_1874del, p.Arg624_His625insTer (NM_001407862.1); c.1951_1952del, p.Arg650_His651insTer (NM_001407863.1, NM_001407919.1, NM_001407937.1 and 19 more transcripts); and 41 more.
Identifiers: ClinVar variation 254404 (VCV000254404.12), dbSNP rs886037995, ClinGen allele CA10586651.

ClinVar aggregate classification (germline): Pathogenic. Review status: reviewed by expert panel (3 of 4 stars). 3 submissions from 3 submitters: Pathogenic (1). 2 of the submissions do not count toward it. Last evaluated 2016-09-08.

Conditions:
Hereditary breast ovarian cancer syndrome. Also called: Hereditary breast and ovarian cancer syndrome (HBOC); Breast and ovarian cancer; Hereditary breast and ovarian cancer syndrome; Hereditary breast and ovarian cancer; BRCA1- and BRCA2-Associated Hereditary Breast and Ovarian Cancer; Hereditary breast and/or ovarian cancer syndrome. Identifiers: Orphanet 145, MedGen C0677776, MeSH D061325, MONDO:0003582. Disease mechanism: loss of function.
Breast-ovarian cancer, familial, susceptibility to, 1 (BROVCA1). Also called: BRCA1 Hereditary Breast and Ovarian Cancer; OVARIAN CANCER, SUSCEPTIBILITY TO. Identifiers: Orphanet 145, MedGen C2676676, MONDO:0011450, OMIM 604370. Disease mechanism: loss of function.

Submissions (3):

Evidence-based Network for the Interpretation of Germline Mutant Alleles (ENIGMA)
Classification: Pathogenic for Breast-ovarian cancer, familial, susceptibility to, 1. Last evaluated: 2016-09-08. Review status: reviewed by expert panel. Criteria: ENIGMA BRCA1/2 Classification Criteria (2015). Collection method: curation. Allele origin: germline.
Comment: Variant allele predicted to encode a truncated non-functional protein.

Myriad Genetics, Inc.
Classification: Pathogenic for Breast-ovarian cancer, familial, susceptibility to, 1. Last evaluated: 2025-09-11. Review status: criteria provided, single submitter. Criteria: Myriad Autosomal Dominant, Autosomal Recessive and X-Linked Classification Criteria (2023). Collection method: clinical testing. Allele origin: unknown. Not counted in ClinVar's aggregate classification.
Comment: This variant is considered pathogenic. This variant creates a termination codon and is predicted to result in premature protein truncation.

Labcorp Genetics (formerly Invitae), Labcorp
Classification: Pathogenic for Hereditary breast ovarian cancer syndrome. Last evaluated: 2021-12-23. Review status: criteria provided, single submitter. Criteria: Invitae Variant Classification Sherloc (09022015). Collection method: clinical testing. Allele origin: germline. Not counted in ClinVar's aggregate classification.
Comment: This sequence change creates a premature translational stop signal (p.His692*) in the BRCA1 gene. It is expected to result in an absent or disrupted protein product. Loss-of-function variants in BRCA1 are known to be pathogenic (PMID: 20104584). This variant is not present in population databases (gnomAD no frequency). This premature translational stop signal has been observed in individual(s) with BRCA1-related conditions (PMID: 21520333). ClinVar contains an entry for this variant (Variation ID: 254404). For these reasons, this variant has been classified as Pathogenic.

Literature cited by the submitters: PubMed 20104584 (cited by Labcorp Genetics (formerly Invitae), Labcorp); PubMed 21520333 (cited by Labcorp Genetics (formerly Invitae), Labcorp).